The following is an entry in ClinVar:

NM_000512.5(GALNS):c.1519T>C (p.Cys507Arg)

Gene: GALNS (galactosamine (N-acetyl)-6-sulfatase; minus strand). Cytogenetic location: 16q24.3.
Variant type: single nucleotide variant.
Coding change: c.1519T>C on transcript NM_000512.5 (MANE Select); coding-DNA position 1519, T replaced by C.
Protein change: p.Cys507Arg; replaces cysteine 507 with arginine.
Molecular consequence: missense variant.
Genome position (GRCh38, 1-based): chr16:88,814,489, A>G on the plus strand (T>C on the coding strand, the complement: GALNS is on the minus strand). VCF-style: chr16-88814489-A-G. GRCh37 (hg19) VCF-style: chr16-88880897-A-G.
Other names: c.964T>C, p.Cys322Arg (NM_001323543.2); c.1537T>C, p.Cys513Arg (NM_001323544.2); short protein forms C322R, C507R, C513R.
Identifiers: ClinVar variation 1048345 (VCV001048345.9), dbSNP rs1567509070, ClinGen allele CA397092585.

ClinVar aggregate classification (germline): Conflicting classifications of pathogenicity. Review status: criteria provided, conflicting classifications (1 of 4 stars). 4 submissions from 4 submitters: Pathogenic (1); Likely pathogenic (1); Uncertain significance (1). 1 of the submissions does not count toward it. Last evaluated 2026-08-12.

Conditions:
Mucopolysaccharidosis, MPS-IV-A (MPS4A). Also called: Morquio syndrome A, mild; MORQUIO SYNDROME A; GALACTOSAMINE-6-SULFATASE DEFICIENCY; GALNS DEFICIENCY; MORQUIO A DISEASE; Mucopolysaccharidosis type IV A. Identifiers: Orphanet 309297, Orphanet 582, MedGen C0086651, MONDO:0009659, OMIM 253000.

Allele frequency attached by ClinVar (database versions not stated): gnomAD exomes below 0.00001.
gnomAD v4.1: 4 of 1,561,920 alleles (0.00026%); highest among the groups gnomAD compares: Non-Finnish European, 0.00035%; no homozygotes.

Submissions (4):

North West Genomic Laboratory Hub, Manchester University NHS Foundation Trust
Classification: Likely pathogenic for Mucopolysaccharidosis type IVA. Last evaluated: 2026-08-12. Review status: criteria provided, single submitter. Criteria: ACGS Best Practice Guidelines for Variant Classification in Rare Disease 2024. Collection method: clinical testing. Allele origin: germline. Affected: yes.
Comment: PP3_Supp PM2_Mod PP4_Str PM3_Mod

Labcorp Genetics (formerly Invitae), Labcorp
Classification: Pathogenic for Mucopolysaccharidosis, MPS-IV-A. Last evaluated: 2023-05-11. Review status: criteria provided, single submitter. Criteria: Invitae Variant Classification Sherloc (09022015). Collection method: clinical testing. Allele origin: germline.
Comment: This missense change has been observed in individual(s) with GALNS-related conditions (PMID: 25545067). For these reasons, this variant has been classified as Pathogenic. Advanced modeling of protein sequence and biophysical properties (such as structural, functional, and spatial information, amino acid conservation, physicochemical variation, residue mobility, and thermodynamic stability) has been performed at Invitae for this missense variant, however the output from this modeling did not meet the statistical confidence thresholds required to predict the impact of this variant on GALNS protein function. ClinVar contains an entry for this variant (Variation ID: 1048345). This variant is not present in population databases (gnomAD no frequency). This sequence change replaces cysteine, which is neutral and slightly polar, with arginine, which is basic and polar, at codon 507 of the GALNS protein (p.Cys507Arg).

Laboratory of Diagnosis and Therapy of Lysosomal Disorders, University of Padova
Classification: Uncertain significance for Mucopolysaccharidosis, MPS-IV-A. Last evaluated: 2021-02-01. Review status: criteria provided, single submitter. Criteria: ACMG Guidelines, 2015. Collection method: research. Allele origin: germline. Affected: yes.
Comment: In vivo functional studies supportive of a damaging effect on the gene product (low to null enzymatic activity in homozygotes; PS3_supporting); the prevalence of the variant in affected individuals is significantly increased compared with the prevalence in controls (PS4_supporting); absent from gnomAD v2.1.1 (PM2_moderate); multiple lines of computational evidence support a deleterious effect on the gene (PP3_supporting)

GeneReviews
No classification provided. Condition: Mucopolysaccharidosis, MPS-IV-A. Review status: no classification provided. Collection method: literature only. Allele origin: germline. Not counted in ClinVar's aggregate classification.

Literature cited by the submitters: PubMed 25545067 (cited by Labcorp Genetics (formerly Invitae), Labcorp and Laboratory of Diagnosis and Therapy of Lysosomal Disorders, University of Padova); PubMed 30809705 (cited by Laboratory of Diagnosis and Therapy of Lysosomal Disorders, University of Padova and GeneReviews); PubMed 34387910 (cited by Laboratory of Diagnosis and Therapy of Lysosomal Disorders, University of Padova); PubMed 23844448 (cited by GeneReviews).